The following is an entry in ClinVar:

NM_005732.4(RAD50):c.2980A>T (p.Lys994Ter)

Gene: RAD50 (RAD50 double strand break repair protein; plus strand). Cytogenetic location: 5q31.1.
Variant type: single nucleotide variant.
Coding change: c.2980A>T on transcript NM_005732.4 (MANE Select); coding-DNA position 2980, A replaced by T.
Protein change: p.Lys994Ter; replaces lysine 994 with a stop codon.
Molecular consequence: nonsense.
Genome position (GRCh38, 1-based): chr5:132,609,340, A>T. VCF-style: chr5-132609340-A-T. GRCh37 (hg19) VCF-style: chr5-131945032-A-T.
Other names: short protein forms K994*.
Identifiers: ClinVar variation 233377 (VCV000233377.15), dbSNP rs876660364, ClinGen allele CA10578589.

ClinVar aggregate classification (germline): Pathogenic/Likely pathogenic. Review status: criteria provided, multiple submitters, no conflicts (2 of 4 stars). 4 submissions from 4 submitters: Pathogenic (3); Likely pathogenic (1). Last evaluated 2024-06-04.

Conditions:
Hereditary cancer-predisposing syndrome. Also called: Neoplastic Syndromes, Hereditary; Tumor predisposition; Hereditary Cancer Syndrome; Hereditary neoplastic syndrome. Identifiers: Orphanet 140162, MedGen C0027672, MeSH D009386, MONDO:0015356.
Nijmegen breakage syndrome-like disorder (NBSLD). Also called: MICROCEPHALY AND SPONTANEOUS CHROMOSOME INSTABILITY WITHOUT IMMUNODEFICIENCY; NBS-LIKE DISORDER; RAD50 DEFICIENCY. Identifiers: Orphanet 240760, MedGen C2751318, MONDO:0013118, OMIM 613078.

Allele frequency attached by ClinVar (database versions not stated): gnomAD exomes below 0.00001 and 0.00001; TOPMed 0.00001.
gnomAD v4.1: 3 of 1,613,768 alleles (0.00019%); highest among the groups gnomAD compares: Admixed American, 0.0033%; no homozygotes.

Submissions (4):

Labcorp Genetics (formerly Invitae), Labcorp
Classification: Pathogenic for Hereditary cancer-predisposing syndrome. Last evaluated: 2024-06-04. Review status: criteria provided, single submitter. Criteria: Invitae Variant Classification Sherloc (09022015). Collection method: clinical testing. Allele origin: germline.
Comment: This sequence change creates a premature translational stop signal (p.Lys994*) in the RAD50 gene. It is expected to result in an absent or disrupted protein product. Loss-of-function variants in RAD50 are known to be pathogenic (PMID: 19409520). This variant is present in population databases (no rsID available, gnomAD 0.003%). This variant has not been reported in the literature in individuals affected with RAD50-related conditions. ClinVar contains an entry for this variant (Variation ID: 233377). For these reasons, this variant has been classified as Pathogenic.

Ambry Genetics
Classification: Pathogenic for Hereditary cancer-predisposing syndrome. Last evaluated: 2023-12-13. Review status: criteria provided, single submitter. Criteria: Ambry Variant Classification Scheme 2023. Collection method: clinical testing. Allele origin: germline.
Comment: The p.K994* pathogenic mutation (also known as c.2980A>T), located in coding exon 19 of the RAD50 gene, results from an A to T substitution at nucleotide position 2980. This changes the amino acid from a lysine to a stop codon within coding exon 19. This alteration is expected to result in loss of function by premature protein truncation or nonsense-mediated mRNA decay. As such, this alteration is interpreted as a disease-causing mutation.

Quest Diagnostics Nichols Institute San Juan Capistrano
Classification: Pathogenic. Last evaluated: 2021-07-16. Review status: criteria provided, single submitter. Criteria: Quest Diagnostics criteria. Collection method: clinical testing. Allele origin: unknown.
Comment: This nonsense variant causes the premature termination of RAD50 protein synthesis. To the best of our knowledge, the variant has not been reported in the published literature. Based on the available information, this variant is classified as pathogenic.

Women's Health and Genetics/Laboratory Corporation of America, LabCorp
Classification: Likely pathogenic for Nijmegen breakage syndrome-like disorder. Last evaluated: 2021-01-11. Review status: criteria provided, single submitter. Criteria: LabCorp Variant Classification Summary - May 2015. Collection method: clinical testing. Allele origin: germline.
Comment: Variant summary: RAD50 c.2980A>T (p.Lys994X) results in a premature termination codon, predicted to cause a truncation of the encoded protein or absence of the protein due to nonsense mediated decay, which are commonly known mechanisms for disease. Truncations downstream of this position have been reported in affected individuals (HGMD). The variant allele was found at a frequency of 4e-06 in 250964 control chromosomes (gnomAD). To our knowledge, no occurrence of c.2980A>T in individuals affected with Nijmegen Breakage Syndrome-Like Disorder and no experimental evidence demonstrating its impact on protein function have been reported. Two clinical diagnostic laboratories have submitted clinical-significance assessments for this variant to ClinVar after 2014 without evidence for independent evaluation, and both of them classified the variant as pathogenic. Based on the evidence outlined above, the variant was classified as likely pathogenic.

Literature cited by the submitters: PubMed 19409520 (cited by Labcorp Genetics (formerly Invitae), Labcorp).